The following is an entry in ClinVar:

ClinVar aggregate classification (germline): Uncertain significance. Review status: criteria provided, multiple submitters, no conflicts (2 of 4 stars). 2 submissions from 2 submitters: Uncertain significance (2). Last evaluated 2023-06-01.

Allele frequency attached by ClinVar (database versions not stated): gnomAD exomes below 0.00001; gnomAD 0.00001; TOPMed 0.00001; ExAC 0.00002.
gnomAD v4.1: 2 of 1,613,168 alleles (0.00012%); highest among the groups gnomAD compares: African/African-American, 0.0027%; no homozygotes.

Submissions (2):

CeGaT Center for Human Genetics Tuebingen
Classification: Uncertain significance. Last evaluated: 2023-06-01. Review status: criteria provided, single submitter. Criteria: CeGaT Center For Human Genetics Tuebingen Variant Classification Criteria Version 2. Collection method: clinical testing. Allele origin: germline. Affected: yes. Observed: 1 variant allele.
Comment: TTN: PM2

Revvity Omics, Revvity
Classification: Uncertain significance. Last evaluated: 2019-04-24. Review status: criteria provided, single submitter. Criteria: ACMG Guidelines, 2015. Collection method: clinical testing. Allele origin: germline.

NM_001267550.2(TTN):c.31721C>T (p.Pro10574Leu)

Gene: TTN (titin; minus strand). Cytogenetic location: 2q31.2.
Variant type: single nucleotide variant.
Coding change: c.31721C>T on transcript NM_001267550.2 (MANE Select); coding-DNA position 31721, C replaced by T.
Protein change: p.Pro10574Leu; replaces proline 10574 with leucine.
Molecular consequence: missense variant. On other transcripts: intron variant (3).
Genome position (GRCh38, 1-based): chr2:178,692,057, G>A on the plus strand (C>T on the coding strand, the complement: TTN is on the minus strand). VCF-style: chr2-178692057-G-A. GRCh37 (hg19) VCF-style: chr2-179556784-G-A.
Other names: c.30770C>T, p.Pro10257Leu (NM_001256850.1); c.27989C>T, p.Pro9330Leu (NM_133378.4); c.13282+46025C>T (NM_003319.4); c.13858+46025C>T (NM_133437.4); c.13657+46025C>T (NM_133432.3); short protein forms P10257L, P10574L, P9330L.
Identifiers: ClinVar variation 2437606 (VCV002437606.27), dbSNP rs767088271, ClinGen allele CA1998870.